The following is an entry in ClinVar:

ClinVar aggregate classification (germline): Pathogenic (1 of 4 stars; one submission).

Conditions:
Retinitis pigmentosa 62 (RP62). Identifiers: Orphanet 791, MedGen C3280042, MONDO:0013611, OMIM 614181.

Submission:

Broad Center for Mendelian Genomics, Broad Institute of MIT and Harvard
Classification: Pathogenic for Retinitis pigmentosa 62. Last evaluated: 2023-08-24. Review status: criteria provided, single submitter. Criteria: ACMG/ClinGen CNV Guidelines, 2019. Collection method: research. Allele origin: unknown. Inheritance: Autosomal recessive inheritance. Affected: yes.
Comment: A homozygous Alu insertion in exon 10 in MAK (NM_001242957.3: c.1297_1298insAlu) was identified by exome sequencing and confirmed by Sanger sequencing in three unrelated individuals with retinitis pigmentosa ([GRCh 38]chr6:10791693_10791694). The patient phenotypes are nonspecific, but are consistent with cases described in the literature and/or published databases with overlapping variants. This insertion in MAK has been reported in ClinVar (Variation ID: 29780) and has been interpreted as likely pathogenic by OMIM. This exonic insertion has also been reported in the literature, in the homozygous state, in 21 individuals of Ashkenazi jewish descent with retinitis pigmentosa (PMID: 21825139). This variant results in the homozygous insertion of a 353-bp Alu repeat in codon 433 of exon 10. If translated, this insertion would result in the insertion of premature stop codon and premature termination. This variant is thus predicted to cause a frameshift, which alters the protein’s amino acid sequence. This insertion is expected to impact the protein. Loss of function of MAK is an established disease mechanism in autosomal recessive retinitis pigmentosa. An insertion of similar genetic content to this variant has been identified in 0.18% (14/7622) of European chromosomes by the Genome Aggregation Database (gnomAD; Structural variant: INS_6_45087), with no homozygotes. Although a similar insertion has been seen in the general population in a heterozygous state, its frequency is not high enough to rule out a pathogenic role. In vitro functional studies provide some evidence that this insertion variant may impact protein function (PMID: 21825139). However, these types of assays may not accurately represent biological function. In summary, this variant meets criteria to be classified as pathogenic for autosomal recessive retinitis pigmentosa. The ACMG/ClinGen evidence codes and points used in this curation are as follows: 1: 0 points, 2: 0.90 points, 4-5: 0.30 points; functional evidence: 0.30 points; Total: 1.50 points; Riggs 2020 (PMID: 31690835)

Literature cited by the submitters: PubMed 21825139.

NM_001242957.3:c.1297_1298insAlu

Gene: MAK (male germ cell associated kinase; minus strand).
Variant type: Insertion.
Other names: c.1297_1298insAlu (NM_001242957.3).
Identifiers: ClinVar variation 2579195 (VCV002579195.1).